The following is an entry in ClinVar:

NM_020347.4(LZTFL1):c.815G>A (p.Arg272Gln)

Gene: LZTFL1 (leucine zipper transcription factor like 1; minus strand). Cytogenetic location: 3p21.31.
Variant type: single nucleotide variant.
Coding change: c.815G>A on transcript NM_020347.4 (MANE Select); coding-DNA position 815, G replaced by A.
Protein change: p.Arg272Gln; replaces arginine 272 with glutamine.
Molecular consequence: missense variant. On other transcripts: non-coding transcript variant (1), intron variant (2).
Genome position (GRCh38, 1-based): chr3:45,827,422, C>T on the plus strand (G>A on the coding strand, the complement: LZTFL1 is on the minus strand). VCF-style: chr3-45827422-C-T. GRCh37 (hg19) VCF-style: chr3-45868914-C-T.
Other names: c.764G>A, p.Arg255Gln (NM_001276378.2, NM_001386451.1); c.765+1017G>A (NM_001276379.2); c.777+1017G>A (NM_001386452.1); c.815G>A (NM_020347.3, NM_020347.2); short protein forms R255Q, R272Q.
Identifiers: ClinVar variation 1058235 (VCV001058235.8), dbSNP rs185326114, ClinGen allele CA2351853.

ClinVar aggregate classification (germline): Uncertain significance. Review status: criteria provided, multiple submitters, no conflicts (2 of 4 stars). 4 submissions from 4 submitters: Uncertain significance (3). 1 of the submissions does not count toward it. Last evaluated 2024-02-24.

Conditions:
Inborn genetic diseases. Identifiers: MedGen C0950123, MeSH D030342.
Bardet-Biedl syndrome 17 (BBS17). Identifiers: Orphanet 110, MedGen C3714980, MONDO:0014445, OMIM 615994.
LZTFL1-related disorder. Also called: LZTFL1-related condition.

Allele frequency attached by ClinVar (database versions not stated): ExAC 0.00002; gnomAD 0.00002 and 0.00004; gnomAD exomes 0.00003; TOPMed 0.00003; ESP Exome Variant Server 0.00008; 1000 Genomes Project 0.00020; 1000 Genomes Project 30x 0.00047.
gnomAD v4.1: 57 of 1,613,676 alleles (0.0035%); highest among the groups gnomAD compares: East Asian, 0.022%; no homozygotes.

Submissions (4):

Labcorp Genetics (formerly Invitae), Labcorp
Classification: Uncertain significance. Last evaluated: 2024-02-24. Review status: criteria provided, single submitter. Criteria: Invitae Variant Classification Sherloc (09022015). Collection method: clinical testing. Allele origin: germline.
Comment: This sequence change replaces arginine, which is basic and polar, with glutamine, which is neutral and polar, at codon 272 of the LZTFL1 protein (p.Arg272Gln). This variant is present in population databases (rs185326114, gnomAD 0.03%). This variant has not been reported in the literature in individuals affected with LZTFL1-related conditions. ClinVar contains an entry for this variant (Variation ID: 1058235). Advanced modeling of protein sequence and biophysical properties (such as structural, functional, and spatial information, amino acid conservation, physicochemical variation, residue mobility, and thermodynamic stability) performed at Invitae indicates that this missense variant is not expected to disrupt LZTFL1 protein function with a negative predictive value of 80%. In summary, the available evidence is currently insufficient to determine the role of this variant in disease. Therefore, it has been classified as a Variant of Uncertain Significance.

Ambry Genetics
Classification: Uncertain significance for Inborn genetic diseases. Last evaluated: 2023-03-01. Review status: criteria provided, single submitter. Criteria: Ambry Variant Classification Scheme 2023. Collection method: clinical testing. Allele origin: germline.

Fulgent Genetics
Classification: Uncertain significance for Bardet-Biedl syndrome 17. Last evaluated: 2021-12-16. Review status: criteria provided, single submitter. Criteria: ACMG Guidelines, 2015. Collection method: clinical testing. Allele origin: unknown.

PreventionGenetics, part of Exact Sciences
Classification: Uncertain significance for LZTFL1-related condition. Last evaluated: 2024-04-29. Review status: no assertion criteria provided. Collection method: clinical testing. Allele origin: germline. Not counted in ClinVar's aggregate classification.
Comment: The LZTFL1 c.815G>A variant is predicted to result in the amino acid substitution p.Arg272Gln. To our knowledge, this variant has not been reported in the literature. This variant is reported in 0.035% of alleles in individuals of East Asian descent in gnomAD. At this time, the clinical significance of this variant is uncertain due to the absence of conclusive functional and genetic evidence.